The following is an entry in ClinVar:

ClinVar aggregate classification (germline): Conflicting classifications of pathogenicity. Review status: criteria provided, conflicting classifications (1 of 4 stars). 3 submissions from 3 submitters: Uncertain significance (1); Likely benign (2). Last evaluated 2024-09-14.

Conditions:
Bethlem myopathy 1A. Also called: Bethlem myopathy 1; MYOPATHY, BENIGN CONGENITAL, WITH CONTRACTURES; Bethlem Muscular Dystrophy. Identifiers: Orphanet 610, MedGen CN029274, MONDO:0024530, OMIM 158810.

Allele frequency attached by ClinVar (database versions not stated): gnomAD exomes 0.00003 and 0.00002; TOPMed 0.00004; ESP Exome Variant Server 0.00008; ExAC 0.00002.
gnomAD v4.1: 42 of 1,614,222 alleles (0.0026%); highest among the groups gnomAD compares: African/African-American, 0.004%; no homozygotes.

Submissions (3):

Labcorp Genetics (formerly Invitae), Labcorp
Classification: Likely benign for Bethlem myopathy 1A. Last evaluated: 2024-09-14. Review status: criteria provided, single submitter. Criteria: Invitae Variant Classification Sherloc (09022015). Collection method: clinical testing. Allele origin: germline.

Revvity Omics, Revvity
Classification: Uncertain significance. Last evaluated: 2019-08-29. Review status: criteria provided, single submitter. Criteria: ACMG Guidelines, 2015. Collection method: clinical testing. Allele origin: germline.

GeneDx
Classification: Likely benign. Last evaluated: 2016-12-30. Review status: criteria provided, single submitter. Criteria: GeneDx Variant Classification (06012015). Collection method: clinical testing. Allele origin: germline. Affected: yes.
Comment: This variant is considered likely benign or benign based on one or more of the following criteria: it is a conservative change, it occurs at a poorly conserved position in the protein, it is predicted to be benign by multiple in silico algorithms, and/or has population frequency not consistent with disease.

NM_004369.4(COL6A3):c.1530C>T (p.Thr510=)

Gene: COL6A3 (collagen type VI alpha 3 chain; minus strand). Cytogenetic location: 2q37.3.
Variant type: single nucleotide variant.
Coding change: c.1530C>T on transcript NM_004369.4 (MANE Select); coding-DNA position 1530, C replaced by T.
Protein change: p.Thr510=; no amino-acid change (threonine 510 retained).
Molecular consequence: synonymous variant.
Genome position (GRCh38, 1-based): chr2:237,381,282, G>A on the plus strand (C>T on the coding strand, the complement: COL6A3 is on the minus strand). VCF-style: chr2-237381282-G-A. GRCh37 (hg19) VCF-style: chr2-238289925-G-A.
Other names: c.309C>T, p.Thr103= (NM_057164.5, NM_057166.5); c.912C>T, p.Thr304= (NM_057165.5, NM_057167.4).
Identifiers: ClinVar variation 392028 (VCV000392028.12), dbSNP rs373281009, ClinGen allele CA2189606.